The following is an entry in ClinVar:

ClinVar aggregate classification (germline): Uncertain significance (1 of 4 stars; one submission).

Conditions:
Combined immunodeficiency due to LRBA deficiency. Also called: Common variable immunodeficiency 8, with autoimmunity. Identifiers: Orphanet 445018, MedGen C3553512, MONDO:0013863, OMIM 614700.

Allele frequency attached by ClinVar (database versions not stated): TOPMed 0.00002.
gnomAD v4.1: 1 of 1,614,140 alleles (0.000062%); no homozygotes.

Submission:

Labcorp Genetics (formerly Invitae), Labcorp
Classification: Uncertain significance for Combined immunodeficiency due to LRBA deficiency. Last evaluated: 2022-11-15. Review status: criteria provided, single submitter. Criteria: Invitae Variant Classification Sherloc (09022015). Collection method: clinical testing. Allele origin: germline.
Comment: This sequence change replaces alanine, which is neutral and non-polar, with valine, which is neutral and non-polar, at codon 49 of the LRBA protein (p.Ala49Val). In summary, the available evidence is currently insufficient to determine the role of this variant in disease. Therefore, it has been classified as a Variant of Uncertain Significance. Advanced modeling of protein sequence and biophysical properties (such as structural, functional, and spatial information, amino acid conservation, physicochemical variation, residue mobility, and thermodynamic stability) has been performed at Invitae for this missense variant, however the output from this modeling did not meet the statistical confidence thresholds required to predict the impact of this variant on LRBA protein function. ClinVar contains an entry for this variant (Variation ID: 1368952). This variant has not been reported in the literature in individuals affected with LRBA-related conditions. This variant is not present in population databases (gnomAD no frequency).

NM_001364905.1(LRBA):c.146C>T (p.Ala49Val)

Gene: LRBA (LPS responsive beige-like anchor protein; minus strand). Cytogenetic location: 4q31.3.
Variant type: single nucleotide variant.
Coding change: c.146C>T on transcript NM_001364905.1 (MANE Select); coding-DNA position 146, C replaced by T.
Protein change: p.Ala49Val; replaces alanine 49 with valine.
Molecular consequence: missense variant.
Genome position (GRCh38, 1-based): chr4:151,014,497, G>A on the plus strand (C>T on the coding strand, the complement: LRBA is on the minus strand). VCF-style: chr4-151014497-G-A. GRCh37 (hg19) VCF-style: chr4-151935649-G-A.
Other names: c.146C>T, p.Ala49Val (NM_001199282.3, NM_001367550.1, NM_006726.5); short protein forms A49V.
Identifiers: ClinVar variation 1368952 (VCV001368952.8), dbSNP rs766486585, ClinGen allele CA358610859.
Genomic context (GRCh38, chr4:151,014,497, plus strand): 5'-ACAGTTTCTACAATATCCCTATTGGATACTTCTCCAACTTCAACCAAACCGGTCAACACG[G>A]CAAATTTCATTCTGATGCCCCTGATGGGGAGCCCTGGTTTCAGAGACAATGCACCCCCTT-3'
Protein context (NP_001351834.1, residues 39-59): LPIRGIRMKF[Ala49Val]VLTGLVEVGE